The following is an entry in ClinVar:

NM_001201543.2(FAM161A):c.105dup (p.Ala38fs)

Genes: FAM161A (FAM161 centrosomal protein A; minus strand), LOC129933843 (ATAC-STARR-seq lymphoblastoid active region 15839; plus strand). Cytogenetic location: 2p15.
Variant type: Duplication.
Coding change: c.105dup on transcript NM_001201543.2 (MANE Select); coding-DNA position 105, one base duplicated (C; older notation c.105dupC).
Protein change: p.Ala38fs; shifts the reading frame from alanine 38.
Molecular consequence: frameshift variant. On other transcripts: non-coding transcript variant (1).
Genome position (GRCh38, 1-based): chr2:61,853,937, G duplicated on the plus strand (C on the coding strand, the reverse complement: FAM161A is on the minus strand); the first of 4 consecutive G bases (chr2:61,853,937-61,853,940); duplicating any one gives the same sequence. VCF-style (leftmost placement, unchanged base first): chr2-61853936-A-AG. GRCh37 (hg19) VCF-style: chr2-62081071-A-AG.
Other names: c.105dup, p.Ala38fs (NM_032180.3); short protein forms A38fs.
Identifiers: ClinVar variation 4067905 (VCV004067905.2).

ClinVar aggregate classification (germline): Likely pathogenic (1 of 4 stars; one submission).

Conditions:
Retinitis pigmentosa 28 (RP28). Identifiers: Orphanet 791, MedGen C1419614, MONDO:0011630, OMIM 606068.

Submission:

Natera, Inc.
Classification: Likely pathogenic for Retinitis pigmentosa type 28. Last evaluated: 2025-03-13. Review status: criteria provided, single submitter. Criteria: Natera Variant Classification Schema (03/2026). Collection method: clinical testing. Allele origin: germline.
Comment: The c.105dup variant in FAM161A is a frameshift variant predicted to shift the reading frame beginning at codon 38 and leads to a stop codon 26 codons downstream. This variant is expected to result in nonsense mediated decay, truncation, or a dysfunctional protein product. This variant is rare in the general population with a frequency below the threshold expected for the associated phenotype(s). Given the available evidence, this variant is classified as Likely Pathogenic.